The following is an entry in ClinVar:

ClinVar aggregate classification (germline): Uncertain significance (1 of 4 stars; one submission).

Conditions:
Spastic paraplegia. Identifiers: MedGen C0037772, HP:0001258.

Allele frequency attached by ClinVar (database versions not stated): ExAC 0.00001; gnomAD exomes 0.00001; TOPMed 0.00001; gnomAD 0.00002; ESP Exome Variant Server 0.00008.
gnomAD v4.1: 17 of 1,613,654 alleles (0.0011%); highest among the groups gnomAD compares: Non-Finnish European, 0.0014%; no homozygotes.

Submission:

Labcorp Genetics (formerly Invitae), Labcorp
Classification: Uncertain significance for Spastic paraplegia. Last evaluated: 2022-05-20. Review status: criteria provided, single submitter. Criteria: Invitae Variant Classification Sherloc (09022015). Collection method: clinical testing. Allele origin: germline.
Comment: This sequence change replaces glycine, which is neutral and non-polar, with valine, which is neutral and non-polar, at codon 481 of the CYP7B1 protein (p.Gly481Val). This variant is present in population databases (rs377175165, gnomAD 0.002%). This variant has not been reported in the literature in individuals affected with CYP7B1-related conditions. Algorithms developed to predict the effect of missense changes on protein structure and function output the following: SIFT: "Tolerated"; PolyPhen-2: "Benign"; Align-GVGD: "Class C0". The valine amino acid residue is found in multiple mammalian species, which suggests that this missense change does not adversely affect protein function. In summary, the available evidence is currently insufficient to determine the role of this variant in disease. Therefore, it has been classified as a Variant of Uncertain Significance.

NM_004820.5(CYP7B1):c.1442G>T (p.Gly481Val)

Gene: CYP7B1 (cytochrome P450 family 7 subfamily B member 1; minus strand). Cytogenetic location: 8q12.3.
Variant type: single nucleotide variant.
Coding change: c.1442G>T on transcript NM_004820.5 (MANE Select); coding-DNA position 1442, G replaced by T.
Protein change: p.Gly481Val; replaces glycine 481 with valine.
Molecular consequence: missense variant. On other transcripts: intron variant (1).
Genome position (GRCh38, 1-based): chr8:64,596,721, C>A on the plus strand (G>T on the coding strand, the complement: CYP7B1 is on the minus strand). VCF-style: chr8-64596721-C-A. GRCh37 (hg19) VCF-style: chr8-65509278-C-A.
Other names: c.1234-6877G>T (NM_001324112.2); short protein forms G481V.
Identifiers: ClinVar variation 2150769 (VCV002150769.1), dbSNP rs377175165, ClinGen allele CA4763979.